The following is an entry in ClinVar:

ClinVar aggregate classification (germline): Uncertain significance (1 of 4 stars; one submission).

Conditions:
Paget disease of bone 2, early-onset (PDB2). Also called: Paget disease of bone 2. Identifiers: MedGen C4085251, MONDO:0011183, OMIM 602080.
Frontotemporal dementia and/or amyotrophic lateral sclerosis 1 (FTDALS1). Also called: C9orf72 Frontotemporal Dementia and/or Amyotrophic Lateral Sclerosis; Frontotemporal dementia with motor neuron disease 1. Identifiers: Orphanet 275872, MedGen C5779877, MONDO:0007105, OMIM 105550.

Allele frequency attached by ClinVar (database versions not stated): TOPMed below 0.00001.
gnomAD v4.1: 1 of 1,614,036 alleles (0.000062%); highest among the groups gnomAD compares: Admixed American, 0.0017%; no homozygotes.

Submission:

Labcorp Genetics (formerly Invitae), Labcorp
Classification: Uncertain significance for Paget disease of bone 2, early-onset; Frontotemporal dementia and/or amyotrophic lateral sclerosis 1. Last evaluated: 2022-08-26. Review status: criteria provided, single submitter. Criteria: Invitae Variant Classification Sherloc (09022015). Collection method: clinical testing. Allele origin: germline.
Comment: In summary, the available evidence is currently insufficient to determine the role of this variant in disease. Therefore, it has been classified as a Variant of Uncertain Significance. Experimental studies have shown that this missense change does not substantially affect SQSTM1 function (PMID: 27631370). Algorithms developed to predict the effect of missense changes on protein structure and function (SIFT, PolyPhen-2, Align-GVGD) all suggest that this variant is likely to be tolerated. This variant has not been reported in the literature in individuals affected with SQSTM1-related conditions. This variant is not present in population databases (gnomAD no frequency). This sequence change replaces serine, which is neutral and polar, with alanine, which is neutral and non-polar, at codon 403 of the SQSTM1 protein (p.Ser403Ala).

Literature cited by the submitters: PubMed 27631370.

NM_003900.5(SQSTM1):c.1207T>G (p.Ser403Ala)

Gene: SQSTM1 (sequestosome 1; plus strand). Cytogenetic location: 5q35.3.
Variant type: single nucleotide variant.
Coding change: c.1207T>G on transcript NM_003900.5 (MANE Select); coding-DNA position 1207, T replaced by G.
Protein change: p.Ser403Ala; replaces serine 403 with alanine.
Molecular consequence: missense variant.
Genome position (GRCh38, 1-based): chr5:179,836,477, T>G. VCF-style: chr5-179836477-T-G. GRCh37 (hg19) VCF-style: chr5-179263477-T-G.
Other names: c.955T>G, p.Ser319Ala (NM_001142298.2, NM_001142299.2); short protein forms S319A, S403A.
Identifiers: ClinVar variation 1907545 (VCV001907545.5), dbSNP rs771657338, ClinGen allele CA362453738.
Genomic context (GRCh38, chr5:179,836,477, plus strand): 5'-TTCCTTACTGTTTCGGCAGAGGCTGACCCGCGGCTGATTGAGTCCCTCTCCCAGATGCTG[T>G]CCATGGGCTTCTCTGATGAAGGCGGCTGGCTCACCAGGCTCCTGCAGACCAAGAACTATG-3'
Protein context (NP_003891.1, residues 393-413): RLIESLSQML[Ser403Ala]MGFSDEGGWL